The following is an entry in ClinVar:

ClinVar aggregate classification (germline): Uncertain significance (1 of 4 stars; one submission).

Conditions:
Cardiovascular phenotype. Identifiers: MedGen CN230736.

Allele frequency attached by ClinVar (database versions not stated): gnomAD 0.00001; TOPMed 0.00001.

Submission:

Ambry Genetics
Classification: Uncertain significance for Cardiovascular phenotype. Last evaluated: 2023-07-10. Review status: criteria provided, single submitter. Criteria: Ambry Variant Classification Scheme 2023. Collection method: clinical testing. Allele origin: germline.
Comment: The p.G240D variant (also known as c.719G>A), located in coding exon 3 of the APOE gene, results from a G to A substitution at nucleotide position 719. The glycine at codon 240 is replaced by aspartic acid, an amino acid with similar properties. This amino acid position is conserved. In addition, this alteration is predicted to be tolerated by in silico analysis. Since supporting evidence is limited at this time, the clinical significance of this alteration remains unclear.

NM_000041.4(APOE):c.719G>A (p.Gly240Asp)

Gene: APOE (apolipoprotein E; plus strand). Cytogenetic location: 19q13.32.
Variant type: single nucleotide variant.
Coding change: c.719G>A on transcript NM_000041.4 (MANE Select); coding-DNA position 719, G replaced by A.
Protein change: p.Gly240Asp; replaces glycine 240 with aspartic acid.
Molecular consequence: missense variant.
Genome position (GRCh38, 1-based): chr19:44,909,015, G>A. VCF-style: chr19-44909015-G-A. GRCh37 (hg19) VCF-style: chr19-45412272-G-A.
Other names: c.797G>A, p.Gly266Asp (NM_001302688.2); c.719G>A, p.Gly240Asp (NM_001302689.2, NM_001302690.2, NM_001302691.2); short protein forms G266D, G240D.
Identifiers: ClinVar variation 2586038 (VCV002586038.2), dbSNP rs1391215146, ClinGen allele CA406304841.